The following is an entry in ClinVar:

NM_024589.3(ROGDI):c.78G>T (p.Glu26Asp)

Gene: ROGDI (rogdi atypical leucine zipper; minus strand). Cytogenetic location: 16p13.3.
Variant type: single nucleotide variant.
Coding change: c.78G>T on transcript NM_024589.3 (MANE Select); coding-DNA position 78, G replaced by T.
Protein change: p.Glu26Asp; replaces glutamic acid 26 with aspartic acid.
Molecular consequence: missense variant. On other transcripts: non-coding transcript variant (1).
Genome position (GRCh38, 1-based): chr16:4,802,421, C>A on the plus strand (G>T on the coding strand, the complement: ROGDI is on the minus strand). VCF-style: chr16-4802421-C-A. GRCh37 (hg19) VCF-style: chr16-4852422-C-A.
Other names: short protein forms E26D.
Identifiers: ClinVar variation 569223 (VCV000569223.7), dbSNP rs145718534, ClinGen allele CA7883032.
Genomic context (GRCh38, chr16:4,802,421, plus strand): 5'-GGGCAGGGCGCGGGTCGTTACCTTGAGGATGTCCTGCAGCTGCTTCAACACAGCGTGCAC[C>A]TCGTCGTGCAGCAGCCAGCGGAACTCCTCCTCCTGCGGGACAGACCCGGCGGTCGCGCCC-3'
Protein context (NP_078865.1, residues 16-36): EEEFRWLLHD[Glu26Asp]VHAVLKQLQD

ClinVar aggregate classification (germline): Uncertain significance (1 of 4 stars; one submission).

Conditions:
Amelocerebrohypohidrotic syndrome (KTZS). Also called: Kohlschutter's syndrome; KOHLSCHUTTER SYNDROME; EPILEPSY AND YELLOW TEETH; EPILEPSY, DEMENTIA, AND AMELOGENESIS IMPERFECTA. Identifiers: Orphanet 1946, MedGen C0406740, MONDO:0009185, OMIM 226750.

Allele frequency attached by ClinVar (database versions not stated): TOPMed 0.00002.
gnomAD v4.1: 7 of 1,519,912 alleles (0.00046%); highest among the groups gnomAD compares: Admixed American, 0.0043%; no homozygotes.

Submission:

Labcorp Genetics (formerly Invitae), Labcorp
Classification: Uncertain significance for Amelocerebrohypohidrotic syndrome. Last evaluated: 2022-05-25. Review status: criteria provided, single submitter. Criteria: Invitae Variant Classification Sherloc (09022015). Collection method: clinical testing. Allele origin: germline.
Comment: This sequence change replaces glutamic acid, which is acidic and polar, with aspartic acid, which is acidic and polar, at codon 26 of the ROGDI protein (p.Glu26Asp). The frequency data for this variant in the population databases is considered unreliable, as metrics indicate poor data quality at this position in the gnomAD database. This variant has not been reported in the literature in individuals affected with ROGDI-related conditions. ClinVar contains an entry for this variant (Variation ID: 569223). Algorithms developed to predict the effect of missense changes on protein structure and function are either unavailable or do not agree on the potential impact of this missense change (SIFT: "Tolerated"; PolyPhen-2: "Probably Damaging"; Align-GVGD: "Class C0"). In summary, the available evidence is currently insufficient to determine the role of this variant in disease. Therefore, it has been classified as a Variant of Uncertain Significance.